The following is an entry in ClinVar:

NM_001368067.1(LDB3):c.439G>A (p.Ala147Thr)

Genes: LDB3 (LIM domain binding 3; plus strand), LOC110121486 (VISTA enhancer hs2143; plus strand). Cytogenetic location: 10q23.2.
Variant type: single nucleotide variant.
Coding change: c.439G>A on transcript NM_001368067.1 (MANE Plus Clinical); coding-DNA position 439, G replaced by A.
Protein change: p.Ala147Thr; replaces alanine 147 with threonine.
Molecular consequence: missense variant. On other transcripts: intron variant (5).
Genome position (GRCh38, 1-based): chr10:86,687,163, G>A. VCF-style: chr10-86687163-G-A. GRCh37 (hg19) VCF-style: chr10-88446920-G-A.
Other names: c.439G>A, p.Ala147Thr (NM_001080114.2, NM_001080116.1, NM_001368066.1 and 1 more transcripts); c.784G>A, p.Ala262Thr (NM_001171610.2, NM_001171611.2); c.690-4733G>A (NM_001368064.1, NM_001368063.1, NM_007078.3 and 2 more transcripts); c.784G>A (NM_001171610.1); short protein forms A147T, A262T.
Identifiers: ClinVar variation 4727 (VCV000004727.73), dbSNP rs121908333, ClinGen allele CA253255.

ClinVar aggregate classification (germline): Pathogenic/Likely pathogenic. Review status: criteria provided, multiple submitters, no conflicts (2 of 4 stars). 11 submissions from 11 submitters: Pathogenic (6); Likely pathogenic (4). Last evaluated 2026-09-28.

Conditions:
Myofibrillar myopathy 4. Also called: Zaspopathy (type). Identifiers: Orphanet 98912, MedGen C4721886, MONDO:0012277, OMIM 609452.
Dilated cardiomyopathy 1C (CMD1C). Also called: CARDIOMYOPATHY, DILATED, 1C, WITH OR WITHOUT LEFT VENTRICULAR NONCOMPACTION; Cardiomyopathy, dilated, 1C, with or without LVNC. Identifiers: Orphanet 154, Orphanet 54260, MedGen C1832244, MONDO:0011094, OMIM 601493.
Cardiomyopathy (CMYO). Also called: Cardiomyopathies. Identifiers: Orphanet 167848, MedGen C0878544, MONDO:0004994, HP:0001638. Inheritance: Various modes of inheritance.

Allele frequency attached by ClinVar (database versions not stated): gnomAD exomes below 0.00001.
gnomAD v4.1: 1 of 1,614,208 alleles (0.000062%); highest among the groups gnomAD compares: Non-Finnish European, 0.000085%; no homozygotes.

Submissions (10):

GeneDx
Classification: Pathogenic. Last evaluated: 2026-09-28. Review status: criteria provided, single submitter. Criteria: GeneDx Variant Classification Process June 2021. Collection method: clinical testing. Allele origin: germline.
Comment: Published functional studies demonstrate disruption of the actin cytoskeleton in mouse muscle cells (PMID: 24668811); In silico analysis suggests that this missense variant does not alter protein structure/function; Not observed at significant frequency in large population cohorts (gnomAD); This variant is associated with the following publications: (PMID: 16427346, 32721234, 23263837, 18765652, no PMID, 19377068, 27546599, 28349680, 15668942, Mullen_2021[Abstract], 36815757, 24668811, 21676617, 41183253, 40571342)

Labcorp Genetics (formerly Invitae), Labcorp
Classification: Pathogenic for Myofibrillar myopathy 4. Last evaluated: 2026-01-14. Review status: criteria provided, single submitter. Criteria: Invitae Variant Classification Sherloc (09022015). Collection method: clinical testing. Allele origin: germline.
Comment: This sequence change replaces alanine, which is neutral and non-polar, with threonine, which is neutral and polar, at codon 147 of the LDB3 protein (p.Ala147Thr). This variant is not present in population databases (gnomAD no frequency). This missense change has been observed in individuals with autosomal dominant myofibrillar myopathy (PMID: 15668942, 23263837). ClinVar contains an entry for this variant (Variation ID: 4727). An algorithm developed to predict the effect of missense changes on protein structure and function (PolyPhen-2) suggests that this variant is likely to be tolerated. Experimental studies have shown that this missense change affects LDB3 function (PMID: 24668811). For these reasons, this variant has been classified as Pathogenic.

Revvity Omics, Revvity
Classification: Likely pathogenic. Last evaluated: 2025-08-08. Review status: criteria provided, single submitter. Criteria: ACMG Guidelines, 2015. Collection method: clinical testing. Allele origin: germline.

Laboratory of Genetics, Children's Clinical University Hospital Latvia
Classification: Pathogenic. Last evaluated: 2025-02-16. Review status: criteria provided, single submitter. Criteria: ACMG Guidelines, 2015. Collection method: clinical testing. Allele origin: germline. Affected: yes.

Athena Diagnostics
Classification: Pathogenic. Last evaluated: 2024-10-31. Review status: criteria provided, single submitter. Criteria: Athena Diagnostics Criteria. Collection method: clinical testing. Allele origin: unknown.
Comment: This variant has not been reported in large, multi-ethnic general populations. This variant has been identified in multiple unrelated individuals with myofibrillar myopathy and appears to segregate with disease in at least one family.

CHEO Genetics Diagnostic Laboratory, Children's Hospital of Eastern Ontario
Classification: Likely pathogenic for Cardiomyopathy. Last evaluated: 2024-09-25. Review status: criteria provided, single submitter. Criteria: ACMG Guidelines, 2015. Collection method: clinical testing. Allele origin: germline. Inheritance: Autosomal dominant inheritance. Study: Canadian Open Genetics Repository.
Comment: This variant has also been referred to as p.Ala147Thr using alternate transcripts, and reported using the historical gene name, ZASP. The c.690-4733G nucleotide is highly conserved. It has not been reported in control populations in the Genome Aggregation Database (gnomAD). It has been previously reported in at >5 apparently unrelated individuals with myofibrillar myopathy (MFM) (PMID 15668942, 18765652, 23263837, 21676617) and is considered to be one of the most common MFM-related LDB3 variants (PMID 33802723). This variant was reported to segregate with disease in 1 family (PMID 15668942). Functional studies showed conflicting results for this variant. One study demonstrated significant biological impact for this variant in relation to myofibrillar myopathy: this variant disrupted the actin cytoskeleton in transfected mouse muscle cells (PMID 24668811). However, another functional study demonstrated that this variant does not impact binding to phosphoglucomutase I, which is thought to be the mechanism of LDB3 involvement in dilated cardiomyopathy (PMID 19377068). In silico splicing analyses do not predict the c.690-4733G>A variant to have a significant effect on splicing. However, this prediction has not been confirmed by RNA functional studies. This variant is listed in ClinVar (VCV000004727). Based on the above evidence, we classify this variant as likely pathogenic for myofibrillar myopathy, which, in rare cases, could also produce cardiomyopathy.

Fulgent Genetics
Classification: Likely pathogenic for Dilated cardiomyopathy 1C; Myofibrillar myopathy 4. Last evaluated: 2024-04-11. Review status: criteria provided, single submitter. Criteria: ACMG Guidelines, 2015. Collection method: clinical testing. Allele origin: germline.

CeGaT Center for Human Genetics Tuebingen
Classification: Pathogenic. Last evaluated: 2022-05-01. Review status: criteria provided, single submitter. Criteria: CeGaT Center For Human Genetics Tuebingen Variant Classification Criteria Version 2. Collection method: clinical testing. Allele origin: germline. Affected: yes. Observed: 3 variant alleles.
Comment: LDB3: PP1:Strong, PM2, PS4:Moderate, PP3, PS3:Supporting

Victorian Clinical Genetics Services, Murdoch Childrens Research Institute
Classification: Pathogenic for Myofibrillar myopathy 4. Last evaluated: 2022-02-02. Review status: criteria provided, single submitter. Criteria: ACMG Guidelines, 2015. Collection method: clinical testing. Allele origin: germline. Inheritance: Autosomal dominant inheritance.
Comment: Based on the classification scheme VCGS_Germline_v1.3.4, this variant is classified as Pathogenic. Following criteria are met: 0102 - Loss of function is the proposed mechanism of disease in this gene and is associated with myofibrillar myopathy 4 (MIM#609452). (I) 0107 - This gene is associated with autosomal dominant disease. (I) 0200 - Variant is predicted to result in a missense amino acid change from alanine to threonine. (I) 0251 - This variant is heterozygous. (I) 0301 - Variant is absent from gnomAD (both v2 and v3). (SP) 0502 - Missense variant with conflicting in silico predictions and uninformative conservation. (I) 0604 - Variant is not located in an established domain, motif, hotspot or informative constraint region. (I) 0801 - This variant has strong previous evidence of pathogenicity in unrelated individuals. It has been reported in multiple unrelated individuals with myofibrillar myopathy (ClinVar, PMID: 18055494). (SP) 1208 - Inheritance information for this variant is not currently available in this individual. (I) Legend: (SP) - Supporting pathogenic, (I) - Information, (SB) - Supporting benign

Molecular Genetics, Royal Melbourne Hospital
Classification: Likely pathogenic for Myofibrillar myopathy 4. Last evaluated: 2021-08-10. Review status: criteria provided, single submitter. Criteria: ACMG Guidelines, 2015. Collection method: clinical testing. Allele origin: germline. Affected: yes.
Comment: This sequence change is predicted to replace alanine with threonine at codon 147 of the LDB3 protein (p.(Ala147Thr), also known as NM_007078.2:c.690-4733G>A). The alanine residue is evolutionarily conserved (100 vertebrates, UCSC), and is located in the striated muscle ZASP-like motif in exon 6 of the skeletal muscle isoform (PMID: 28349680). There is a small physicochemical difference between alanine and threonine. The variant is absent in a large population cohort (gnomAD v2.1 and v3.1). It has been identified in multiple individuals with myofibrillar myopathy, including variable cardiac and neuropathic involvement, and segregates with disease in at least one large family (PMID: 15668942, 18765652, 21676617, 23263837, 32721234). The variant demonstrates isoform-specific disruption of skeletal muscle actin filaments in functional assays (PMID: 24668811). Multiple lines of computational evidence have conflicting predictions for the missense substitution (3/4 algorithms predict benign). Based on the classification scheme RMH Modified ACMG Guidelines v1.4.0, this variant is classified as LIKELY PATHOGENIC. Following criteria are met: PS4_Moderate, PP1_Moderate, PS3_Supporting, PM2_Supporting.

Literature cited by the submitters: PubMed 15668942 (cited by 3 submitters); PubMed 23263837 (cited by Labcorp Genetics (formerly Invitae), Labcorp and Molecular Genetics, Royal Melbourne Hospital); PubMed 24668811 (cited by 3 submitters); PubMed 32721234 (cited by Athena Diagnostics and Molecular Genetics, Royal Melbourne Hospital); PubMed 19377068 (cited by Athena Diagnostics); PubMed 28349680 (cited by Athena Diagnostics and Molecular Genetics, Royal Melbourne Hospital); PubMed 18055494 (cited by Athena Diagnostics and Victorian Clinical Genetics Services, Murdoch Childrens Research Institute); PubMed 16476425 (cited by Athena Diagnostics); PubMed 18765652 (cited by Athena Diagnostics and Molecular Genetics, Royal Melbourne Hospital); PubMed 21676617 (cited by Athena Diagnostics and Molecular Genetics, Royal Melbourne Hospital).